The following is an entry in ClinVar:

ClinVar aggregate classification (germline): Uncertain significance (1 of 4 stars; one submission).

Conditions:
Diamond-Blackfan anemia 10 (DBA10). Also called: RPS26-Related Diamond-Blackfan Anemia. Identifiers: Orphanet 124, MedGen C2750080, MONDO:0013217, OMIM 613309.

Allele frequency attached by ClinVar (database versions not stated): gnomAD exomes below 0.00001; ExAC 0.00001.

Submission:

Labcorp Genetics (formerly Invitae), Labcorp
Classification: Uncertain significance for Diamond-Blackfan anemia 10. Last evaluated: 2020-12-31. Review status: criteria provided, single submitter. Criteria: Invitae Variant Classification Sherloc (09022015). Collection method: clinical testing. Allele origin: germline.
Comment: In summary, the available evidence is currently insufficient to determine the role of this variant in disease. Therefore, it has been classified as a Variant of Uncertain Significance. Algorithms developed to predict the effect of missense changes on protein structure and function are either unavailable or do not agree on the potential impact of this missense change (SIFT: "Deleterious"; PolyPhen-2: "Benign"; Align-GVGD: "Class C65"). This variant has not been reported in the literature in individuals with RPS26-related conditions. The frequency data for this variant in the population databases is considered unreliable, as metrics indicate poor data quality at this position in the ExAC database. This sequence change replaces arginine with glycine at codon 22 of the RPS26 protein (p.Arg22Gly). The arginine residue is highly conserved and there is a moderate physicochemical difference between arginine and glycine.

NM_001029.5(RPS26):c.64C>G (p.Arg22Gly)

Gene: RPS26 (ribosomal protein S26; plus strand). Cytogenetic location: 12q13.2.
Variant type: single nucleotide variant.
Coding change: c.64C>G on transcript NM_001029.5 (MANE Select); coding-DNA position 64, C replaced by G.
Protein change: p.Arg22Gly; replaces arginine 22 with glycine.
Molecular consequence: missense variant.
Genome position (GRCh38, 1-based): chr12:56,042,485, C>G. VCF-style: chr12-56042485-C-G. GRCh37 (hg19) VCF-style: chr12-56436269-C-G.
Other names: short protein forms R22G.
Identifiers: ClinVar variation 1387694 (VCV001387694.8), dbSNP rs762701251, ClinGen allele CA6621698.
Genomic context (GRCh38, chr12:56,042,485, plus strand): 5'-ACAAAGAAAAGAAGGAACAATGGTCGTGCCAAAAAGGGCCGCGGCCACGTGCAGCCTATT[C>G]GCTGCACTAACTGTGCCCGATGCGTGCCCAAGGACAAGGCCATTAAGAAATTCGTCATTC-3'
Protein context (NP_001020.2, residues 12-32): KKGRGHVQPI[Arg22Gly]CTNCARCVPK